The following is an entry in ClinVar:

NM_005726.6(TSFM):c.58-2A>T

Gene: TSFM (Ts translation elongation factor, mitochondrial; plus strand). Cytogenetic location: 12q14.1.
Variant type: single nucleotide variant.
Coding change: c.58-2A>T on transcript NM_005726.6 (MANE Select); the canonical splice acceptor site of the intron before coding-DNA position 58, A replaced by T.
Molecular consequence: splice acceptor variant.
Genome position (GRCh38, 1-based): chr12:57,783,108, A>T. VCF-style: chr12-57783108-A-T. GRCh37 (hg19) VCF-style: chr12-58176891-A-T.
Other names: c.58-2A>T (NM_001172697.2, NM_001172696.2, NM_001172695.2).
Identifiers: ClinVar variation 4697310 (VCV004697310.1).
Genomic context (GRCh38, chr12:57,783,108, plus strand): 5'-GTACCCTTCACCCTCTGGAGTTTGCTGCTTCCTGCTCCTCATCCCTTTCTTATCTCATCT[A>T]GGCTGGGTCTCTTCTGCGTCAGTCGCCCCAGCCAAGGCACACATTTTATGCTGGGCCCCG-3'

ClinVar aggregate classification (germline): Likely pathogenic (1 of 4 stars; one submission).

Submission:

Labcorp Genetics (formerly Invitae), Labcorp
Classification: Likely pathogenic. Last evaluated: 2025-11-14. Review status: criteria provided, single submitter. Criteria: Invitae Variant Classification Sherloc (09022015). Collection method: clinical testing. Allele origin: germline.
Comment: This sequence change affects an acceptor splice site in intron 1 of the TSFM gene. It is expected to disrupt RNA splicing. Variants that disrupt the donor or acceptor splice site typically lead to a loss of protein function (PMID: 16199547), and loss-of-function variants in TSFM are known to be pathogenic (PMID: 17033963, 20435138, 25037205, 27677415). This variant is not present in population databases (gnomAD no frequency). This variant has not been reported in the literature in individuals affected with TSFM-related conditions. Algorithms developed to predict the effect of sequence changes on RNA splicing suggest that this variant may disrupt the consensus splice site. In summary, the currently available evidence indicates that the variant is pathogenic, but additional data are needed to prove that conclusively. Therefore, this variant has been classified as Likely Pathogenic.

Literature cited by the submitters: PubMed 16199547; PubMed 17033963; PubMed 20435138; PubMed 25037205; PubMed 27677415.